The following is an entry in ClinVar:

ClinVar aggregate classification (germline): Uncertain significance (1 of 4 stars; one submission).

Conditions:
3-hydroxy-3-methylglutaryl-CoA synthase deficiency (HMGCS2D). Also called: HMG-CoA synthase-2 deficiency; HMGCS2 DEFICIENCY; MITOCHONDRIAL HMG-CoA SYNTHASE DEFICIENCY. Identifiers: Orphanet 35701, MedGen C2751532, MONDO:0011614, OMIM 605911.

Allele frequency attached by ClinVar (database versions not stated): ExAC 0.00002; gnomAD 0.00005; gnomAD exomes 0.00005; TOPMed 0.00006; ESP Exome Variant Server 0.00015.

Submission:

Labcorp Genetics (formerly Invitae), Labcorp
Classification: Uncertain significance for 3-hydroxy-3-methylglutaryl-CoA synthase deficiency. Last evaluated: 2022-08-23. Review status: criteria provided, single submitter. Criteria: Invitae Variant Classification Sherloc (09022015). Collection method: clinical testing. Allele origin: germline.
Comment: In summary, the available evidence is currently insufficient to determine the role of this variant in disease. Therefore, it has been classified as a Variant of Uncertain Significance. Algorithms developed to predict the effect of missense changes on protein structure and function (SIFT, PolyPhen-2, Align-GVGD) all suggest that this variant is likely to be tolerated. ClinVar contains an entry for this variant (Variation ID: 662406). This variant has not been reported in the literature in individuals affected with HMGCS2-related conditions. This variant is present in population databases (rs141769037, gnomAD 0.009%). This sequence change replaces alanine, which is neutral and non-polar, with valine, which is neutral and non-polar, at codon 430 of the HMGCS2 protein (p.Ala430Val).

NM_005518.4(HMGCS2):c.1289C>T (p.Ala430Val)

Gene: HMGCS2 (3-hydroxy-3-methylglutaryl-CoA synthase 2; minus strand). Cytogenetic location: 1p12.
Variant type: single nucleotide variant.
Coding change: c.1289C>T on transcript NM_005518.4 (MANE Select); coding-DNA position 1289, C replaced by T.
Protein change: p.Ala430Val; replaces alanine 430 with valine.
Molecular consequence: missense variant.
Genome position (GRCh38, 1-based): chr1:119,753,285, G>A on the plus strand (C>T on the coding strand, the complement: HMGCS2 is on the minus strand). VCF-style: chr1-119753285-G-A. GRCh37 (hg19) VCF-style: chr1-120295908-G-A.
Other names: c.1163C>T, p.Ala388Val (NM_001166107.1); short protein forms A430V, A388V.
Identifiers: ClinVar variation 662406 (VCV000662406.7), dbSNP rs141769037, ClinGen allele CA1037612.